The following is an entry in ClinVar:

NM_000387.6(SLC25A20):c.288G>A (p.Gly96=)

Gene: SLC25A20 (solute carrier family 25 member 20; minus strand). Cytogenetic location: 3p21.31.
Variant type: single nucleotide variant.
Coding change: c.288G>A on transcript NM_000387.6 (MANE Select); coding-DNA position 288, G replaced by A.
Protein change: p.Gly96=; no amino-acid change (glycine 96 retained).
Molecular consequence: synonymous variant.
Genome position (GRCh38, 1-based): chr3:48,884,035, C>T on the plus strand (G>A on the coding strand, the complement: SLC25A20 is on the minus strand). VCF-style: chr3-48884035-C-T. GRCh37 (hg19) VCF-style: chr3-48921468-C-T.
Other names: c.288G>A (NM_000387.5).
Identifiers: ClinVar variation 2970543 (VCV002970543.5), dbSNP rs148259116, ClinGen allele CA2387444.

ClinVar aggregate classification (germline): Likely benign. Review status: criteria provided, single submitter (1 of 4 stars). 2 submissions from 2 submitters: Likely benign (1). 1 of the submissions does not count toward it. Last evaluated 2025-11-27.

Conditions:
Carnitine acylcarnitine translocase deficiency (CACTD). Identifiers: Orphanet 159, MedGen C0342791, MONDO:0008918, OMIM 212138.
SLC25A20-related disorder. Also called: SLC25A20-related condition.

Allele frequency attached by ClinVar (database versions not stated): ExAC 0.00002; gnomAD 0.00004; TOPMed 0.00006; ESP Exome Variant Server 0.00015.
gnomAD v4.1: 11 of 1,613,828 alleles (0.00068%); highest among the groups gnomAD compares: African/African-American, 0.013%; no homozygotes.

Submissions (2):

Labcorp Genetics (formerly Invitae), Labcorp
Classification: Likely benign for Carnitine acylcarnitine translocase deficiency. Last evaluated: 2025-11-27. Review status: criteria provided, single submitter. Criteria: Invitae Variant Classification Sherloc (09022015). Collection method: clinical testing. Allele origin: germline.

PreventionGenetics, part of Exact Sciences
Classification: Likely benign for SLC25A20-related condition. Last evaluated: 2019-06-27. Review status: no assertion criteria provided. Collection method: clinical testing. Allele origin: germline. Not counted in ClinVar's aggregate classification.
Comment: This variant is classified as likely benign based on ACMG/AMP sequence variant interpretation guidelines (Richards et al. 2015 PMID: 25741868, with internal and published modifications).